The following is an entry in ClinVar:

NM_003872.3(NRP2):c.1602C>T (p.Asp534=)

Gene: NRP2 (neuropilin 2; plus strand). Cytogenetic location: 2q33.3.
Variant type: single nucleotide variant.
Coding change: c.1602C>T on transcript NM_003872.3 (MANE Select); coding-DNA position 1602, C replaced by T.
Protein change: p.Asp534=; no amino-acid change (aspartic acid 534 retained).
Molecular consequence: synonymous variant.
Genome position (GRCh38, 1-based): chr2:205,743,513, C>T. VCF-style: chr2-205743513-C-T. GRCh37 (hg19) VCF-style: chr2-206608237-C-T.
Other names: c.1602C>T, p.Asp534= (NM_018534.4, NM_201264.2, NM_201266.2 and 2 more transcripts).
Identifiers: ClinVar variation 4992151 (VCV004992151.1).
Genomic context (GRCh38, chr2:205,743,513, plus strand): 5'-TGTGGAAGCCAGAGCATTTGTGCGCAAGTTCAAAGTCTCCTACAGCCTAAACGGCAAGGA[C>T]TGGGAATACATTCAGGACCCCAGGACCCAGCAGCCAAAGGTAGGCTGTTCTTGGAGGCCT-3'
Protein context (NP_003863.2, residues 524-544): FKVSYSLNGK[Asp534=]WEYIQDPRTQ

ClinVar aggregate classification (germline): Likely benign (1 of 4 stars; one submission).

Conditions:
NRP2-related disorder. Also called: NRP2-related condition.

Submission:

PreventionGenetics, part of Exact Sciences
Classification: Likely benign for NRP2-related condition. Last evaluated: 2025-09-04. Review status: criteria provided, single submitter. Criteria: ACMG Guidelines, 2015. Collection method: clinical testing. Allele origin: germline.
Comment: This variant is classified as likely benign based on ACMG/AMP sequence variant interpretation guidelines (Richards et al. 2015 PMID: 25741868, with internal and published modifications).